The following is an entry in ClinVar:

ClinVar aggregate classification (germline): Likely pathogenic (1 of 4 stars; one submission).

Conditions:
Long QT syndrome 1 (LQT1). Identifiers: Orphanet 101016, Orphanet 768, MedGen C4551647, MONDO:0100316, OMIM 192500, MONDO:0008646.

Submission:

Petrovsky National Research Centre of Surgery, The Federal Agency for Scientific Organizations
Classification: Likely pathogenic for Long QT syndrome 1. Review status: criteria provided, single submitter. Criteria: ACMG Guidelines, 2015. Collection method: clinical testing. Allele origin: germline. Affected: yes.
Comment: This variant is absent in The Genome Aggregation Database (gnomAD) v4.1.0 (Date of access 05-03-2026). This variant has not been reported in any study to our knowledge. In accordance with ACMG (2015) criteria this variant is classified as Likely Pathogenic (LP) with following criteria selected: PVS1_strong, PM2, PS1_sup. This variant is in The Genome Aggregation Database (gnomAD) v4.1.0 with total MAF 0.02143 (Date of access with 05-03-2026).

NM_000218.3(KCNQ1):c.1685+1G>T

Gene: KCNQ1 (potassium voltage-gated channel subfamily Q member 1; plus strand). Cytogenetic location: 11p15.5.
Variant type: single nucleotide variant.
Coding change: c.1685+1G>T on transcript NM_000218.3 (MANE Select); the canonical splice donor site of the intron after coding-DNA position 1685, G replaced by T.
Molecular consequence: splice donor variant.
Genome position (GRCh38, 1-based): chr11:2,776,055, G>T. VCF-style: chr11-2776055-G-T. GRCh37 (hg19) VCF-style: chr11-2797285-G-T.
Other names: c.1415+1G>T (NM_001406837.1); c.1589+1G>T (NM_001406836.1); c.1145+1G>T (NM_001406838.1); c.1304+1G>T (NM_181798.2).
Identifiers: ClinVar variation 4849908 (VCV004849908.1).